The following is an entry in ClinVar:

NM_000127.3(EXT1):c.600G>A (p.Trp200Ter)

Gene: EXT1 (exostosin glycosyltransferase 1; minus strand). Cytogenetic location: 8q24.11.
Variant type: single nucleotide variant.
Coding change: c.600G>A on transcript NM_000127.3 (MANE Select); coding-DNA position 600, G replaced by A.
Protein change: p.Trp200Ter; replaces tryptophan 200 with a stop codon.
Molecular consequence: nonsense.
Genome position (GRCh38, 1-based): chr8:118,110,447, C>T on the plus strand (G>A on the coding strand, the complement: EXT1 is on the minus strand). VCF-style: chr8-118110447-C-T. GRCh37 (hg19) VCF-style: chr8-119122686-C-T.
Other names: c.600G>A (NM_000127.2); short protein forms W200*.
Identifiers: ClinVar variation 1458869 (VCV001458869.8), dbSNP rs1817876148, ClinGen allele CA371915478.

ClinVar aggregate classification (germline): Pathogenic. Review status: criteria provided, multiple submitters, no conflicts (2 of 4 stars). 2 submissions from 2 submitters: Pathogenic (2). Last evaluated 2025-12-23.

Conditions:
Multiple congenital exostosis (EXT). Also called: Multiple osteochondromas; Multiple exostoses; Hereditary multiple exostoses; Hereditary multiple exostosis; Hereditary multiple osteochondromas; MULTIPLE CARTILAGINOUS EXOSTOSES. Identifiers: Orphanet 321, MedGen C0015306, MONDO:0005508, HP:0002762.

Submissions (2):

GeneDx
Classification: Pathogenic. Last evaluated: 2025-12-23. Review status: criteria provided, single submitter. Criteria: GeneDx Variant Classification Process June 2021. Collection method: clinical testing. Allele origin: germline.
Comment: Nonsense variant predicted to result in protein truncation or nonsense mediated decay in a gene for which loss of function is a known mechanism of disease; Not observed at significant frequency in large population cohorts (gnomAD); This variant is associated with the following publications: (PMID: 30806661, 24327138, 10679937, 9463333, 40225915)

Labcorp Genetics (formerly Invitae), Labcorp
Classification: Pathogenic for Multiple congenital exostosis. Last evaluated: 2024-01-19. Review status: criteria provided, single submitter. Criteria: Invitae Variant Classification Sherloc (09022015). Collection method: clinical testing. Allele origin: germline.
Comment: This sequence change creates a premature translational stop signal (p.Trp200*) in the EXT1 gene. It is expected to result in an absent or disrupted protein product. Loss-of-function variants in EXT1 are known to be pathogenic (PMID: 10679937, 11391482, 19810120). This variant is not present in population databases (gnomAD no frequency). This premature translational stop signal has been observed in individual(s) with hereditary multiple osteochondromatosis (PMID: 9463333, 30806661). ClinVar contains an entry for this variant (Variation ID: 1458869). For these reasons, this variant has been classified as Pathogenic.

Literature cited by the submitters: PubMed 10679937 (cited by Labcorp Genetics (formerly Invitae), Labcorp); PubMed 11391482 (cited by Labcorp Genetics (formerly Invitae), Labcorp); PubMed 19810120 (cited by Labcorp Genetics (formerly Invitae), Labcorp); PubMed 9463333 (cited by Labcorp Genetics (formerly Invitae), Labcorp); PubMed 30806661 (cited by Labcorp Genetics (formerly Invitae), Labcorp).